The following is an entry in ClinVar:

ClinVar aggregate classification (germline): Uncertain significance (1 of 4 stars; one submission).

Conditions:
Hereditary cancer-predisposing syndrome. Also called: Hereditary Cancer Syndrome; Hereditary neoplastic syndrome; Neoplastic Syndromes, Hereditary; Tumor predisposition. Identifiers: Orphanet 140162, MedGen C0027672, MeSH D009386, MONDO:0015356.

Submission:

Ambry Genetics
Classification: Uncertain significance for Hereditary cancer-predisposing syndrome. Last evaluated: 2026-08-28. Review status: criteria provided, single submitter. Criteria: Ambry Variant Classification Scheme 2023. Collection method: clinical testing. Allele origin: germline.
Comment: The p.P393R variant (also known as c.1178C>G), located in coding exon 12 of the MUTYH gene, results from a C to G substitution at nucleotide position 1178. The proline at codon 393 is replaced by arginine, an amino acid with dissimilar properties. In a massively parallel cell-based functional assay testing 7,8-dihydro-8-oxoguanine:adenine (8OG:A) repair activity, a byproduct of oxidative damage, this variant was reported to be functional (Hemker SL et al. Am J Hum Genet, 2025 Sep;112:2010-2026). This amino acid position is conserved. In addition, this alteration is predicted to be deleterious by in silico analysis. Based on the available evidence, the clinical significance of this variant remains unclear.

Literature cited by the submitters: PubMed 40738107.

NM_001048174.2(MUTYH):c.1094C>G (p.Pro365Arg)

Gene: MUTYH (mutY DNA glycosylase; minus strand). Cytogenetic location: 1p34.1.
Variant type: single nucleotide variant.
Coding change: c.1094C>G on transcript NM_001048174.2 (MANE Select); coding-DNA position 1094, C replaced by G.
Protein change: p.Pro365Arg; replaces proline 365 with arginine.
Molecular consequence: missense variant. On other transcripts: non-coding transcript variant (2).
Genome position (GRCh38, 1-based): chr1:45,331,669, G>C on the plus strand (C>G on the coding strand, the complement: MUTYH is on the minus strand). VCF-style: chr1-45331669-G-C. GRCh37 (hg19) VCF-style: chr1-45797341-G-C.
Other names: c.1094C>G, p.Pro365Arg (NM_001048171.2, NM_001048173.2, NM_001293195.2 and 6 more transcripts); c.1097C>G, p.Pro366Arg (NM_001048172.2, NM_001407086.1, NM_001407071.1 and 1 more transcripts); c.1178C>G, p.Pro393Arg (NM_001128425.2); c.1139C>G, p.Pro380Arg (NM_001293190.2); c.1127C>G, p.Pro376Arg (NM_001293191.2, NM_001407069.1, NM_001407077.1); c.818C>G, p.Pro273Arg (NM_001293192.2, NM_001293196.2, NM_001407091.1); c.1055C>G, p.Pro352Arg (NM_001407079.1); c.1052C>G, p.Pro351Arg (NM_001407080.1); and 5 more; short protein forms P372R, P380R, P390R, P393R, P273R, P365R, P351R, P352R.
Identifiers: ClinVar variation 1741236 (VCV001741236.3), dbSNP rs1570380627, ClinGen allele CA340133272.